The following is an entry in ClinVar:

ClinVar aggregate classification (germline): Uncertain significance (1 of 4 stars; one submission).

Submission:

Women's Health and Genetics/Laboratory Corporation of America, LabCorp
Classification: Uncertain significance. Last evaluated: 2026-01-12. Review status: criteria provided, single submitter. Criteria: LabCorp Variant Classification Summary - May 2015. Collection method: clinical testing. Allele origin: germline.
Comment: Variant summary: RMRP n.190dupA (also known as NC_000009.11: chr9:g.35657826dupT) alters a nucleotide in the non-coding RNA. The variant was absent in 129952 control chromosomes. The available data on variant occurrences in the general population are insufficient to allow any conclusion about variant significance. To our knowledge, no occurrence of n.190dupA in individuals affected with RMRP-related conditions and no experimental evidence demonstrating its impact on protein function have been reported. No submitters have cited clinical-significance assessments for this variant to ClinVar. Based on the evidence outlined above, the variant was classified as uncertain significance.

NR_003051.4(RMRP):n.191dup

Gene: RMRP (RNA component of mitochondrial RNA processing endoribonuclease; minus strand). Cytogenetic location: 9p13.3.
Variant type: Duplication.
Molecular consequence: non-coding transcript variant (on NR_003051.4).
Genome position: GRCh38 VCF-style: chr9-35657828-A-AT. GRCh37 (hg19) VCF-style: chr9-35657825-A-AT.
Identifiers: ClinVar variation 4689482 (VCV004689482.1).